The following is an entry in ClinVar:

NM_000222.3(KIT):c.1276C>A (p.Leu426Ile)

Gene: KIT (KIT proto-oncogene, receptor tyrosine kinase; plus strand). Cytogenetic location: 4q12.
Variant type: single nucleotide variant.
Coding change: c.1276C>A on transcript NM_000222.3 (MANE Select); coding-DNA position 1276, C replaced by A.
Protein change: p.Leu426Ile; replaces leucine 426 with isoleucine.
Molecular consequence: missense variant.
Genome position (GRCh38, 1-based): chr4:54,723,628, C>A. VCF-style: chr4-54723628-C-A. GRCh37 (hg19) VCF-style: chr4-55589794-C-A.
Other names: c.1276C>A, p.Leu426Ile (NM_001093772.2, NM_001385285.1, NM_001385286.1); c.1279C>A, p.Leu427Ile (NM_001385284.1, NM_001385288.1, NM_001385290.1 and 1 more transcripts); short protein forms L426I, L427I.
Identifiers: ClinVar variation 409736 (VCV000409736.9), dbSNP rs758061831, ClinGen allele CA16611551.

ClinVar aggregate classification (germline): Uncertain significance (1 of 4 stars; one submission).

Conditions:
Gastrointestinal stromal tumor. Also called: Gastrointestinal stroma tumor; Gastrointestinal stromal tumor, somatic. Identifiers: Orphanet 44890, MedGen C0238198, MeSH D046152, MONDO:0011719, OMIM 606764, HP:0100723.

Submission:

Labcorp Genetics (formerly Invitae), Labcorp
Classification: Uncertain significance for Gastrointestinal stromal tumor. Last evaluated: 2020-07-30. Review status: criteria provided, single submitter. Criteria: Invitae Variant Classification Sherloc (09022015). Collection method: clinical testing. Allele origin: germline.
Comment: In summary, this variant is a novel missense change with uncertain impact on protein function. It has been classified as a Variant of Uncertain Significance. Algorithms developed to predict the effect of missense changes on protein structure and function do not agree on the potential impact of this missense change (SIFT: "Tolerated"; PolyPhen-2: "Probably Damaging"; Align-GVGD: "Class C0"). This variant is not present in population databases (ExAC no frequency) and has not been reported in the literature in individuals with a KIT-related disease. This sequence change replaces leucine with isoleucine at codon 426 of the KIT protein (p.Leu426Ile). The leucine residue is highly conserved and there is a small physicochemical difference between leucine and isoleucine.